The following is an entry in ClinVar:

NM_000302.4(PLOD1):c.993T>C (p.Ala331=)

Gene: PLOD1 (procollagen-lysine,2-oxoglutarate 5-dioxygenase 1; plus strand). Cytogenetic location: 1p36.22.
Variant type: single nucleotide variant.
Coding change: c.993T>C on transcript NM_000302.4 (MANE Select); coding-DNA position 993, T replaced by C.
Protein change: p.Ala331=; no amino-acid change (alanine 331 retained).
Molecular consequence: synonymous variant.
Genome position (GRCh38, 1-based): chr1:11,960,663, T>C. VCF-style: chr1-11960663-T-C. GRCh37 (hg19) VCF-style: chr1-12020720-T-C.
Other names: p.Ala331=; c.1134T>C, p.Ala378= (NM_001316320.2).
Identifiers: ClinVar variation 4684608 (VCV004684608.1).

ClinVar aggregate classification (germline): Likely benign (1 of 4 stars; one submission).

gnomAD v4.1: 5 of 1,610,036 alleles (0.00031%); highest among the groups gnomAD compares: Non-Finnish European, 0.00042%; no homozygotes.

Submission:

Mayo Clinic Laboratories, Mayo Clinic
Classification: Likely benign. Last evaluated: 2025-11-15. Review status: criteria provided, single submitter. Criteria: ACMG Guidelines, 2015. Collection method: clinical testing. Allele origin: germline. Observed: 2 variant alleles.
Comment: BP4, BP7, PM2_supporting